The following is an entry in ClinVar:

NM_000138.5(FBN1):c.7487G>C (p.Cys2496Ser)

Gene: FBN1 (fibrillin 1; minus strand). Cytogenetic location: 15q21.1.
Variant type: single nucleotide variant.
Coding change: c.7487G>C on transcript NM_000138.5 (MANE Select); coding-DNA position 7487, G replaced by C.
Protein change: p.Cys2496Ser; replaces cysteine 2496 with serine.
Molecular consequence: missense variant.
Genome position (GRCh38, 1-based): chr15:48,422,035, C>G on the plus strand (G>C on the coding strand, the complement: FBN1 is on the minus strand). VCF-style: chr15-48422035-C-G. GRCh37 (hg19) VCF-style: chr15-48714232-C-G.
Other names: c.7487G>C, p.Cys2496Ser (NM_001406716.1); short protein forms C2496S.
Identifiers: ClinVar variation 3902826 (VCV003902826.1).

ClinVar aggregate classification (germline): Pathogenic (1 of 4 stars; one submission).

Conditions:
Marfan syndrome (MFS). Also called: MARFAN SYNDROME, TYPE I; Marfan syndrome type 1; Marfan's syndrome; Marfan syndrome, classic; FBN1-Related Marfan Syndrome. Identifiers: Orphanet 284963, Orphanet 558, MedGen C0024796, MONDO:0007947, OMIM 154700.

Submission:

Human Genetics Unit, University Of Colombo
Classification: Pathogenic for Marfan syndrome. Last evaluated: 2021-12-13. Review status: criteria provided, single submitter. Criteria: ACMG Guidelines, 2015. Collection method: clinical testing. Allele origin: germline. Affected: yes. Observed: 1 variant allele.
Comment: The NM_000138.5:c.7487G>C is a missense variant in the FBN1 gene, resulting in the substitution of cysteine with serine at codon 2496 of the fibrillin-1 protein (p.Cys2496Ser). Equivalent variant chr15:48714233 A>T (Cys2496Ser) is classified Likely Pathogenic, by ClinVar [PS1]. Alternative variant chr15:48714232 C>A (Cys2496Phe) is classified Likely Pathogenic by ClinVar [PM5]. Hot-spot of length 17 amino-acids has 28 missense/in-frame variants (11 pathogenic variants, 17 uncertain variants, and no benign), which qualifies as moderate pathogenic [PM1]. Variant not found in gnomAD exomes, with good gnomAD exomes coverage = 78.4 [PM2]. Multiple lines of In silico analyses supports that this variant has a deleterious effect on protein structure/function [PP3]. In summary, this variant meets criteria to be classified as pathogenic based on ACMG/AMP guidelines: PS1, PM1, PM2, PM5, PP3 and PP4.